The following is an entry in ClinVar:

NM_178040.4(ERC1):c.148A>G (p.Ser50Gly)

Gene: ERC1 (ELKS/RAB6-interacting/CAST family member 1; plus strand). Cytogenetic location: 12p13.33.
Variant type: single nucleotide variant.
Coding change: c.148A>G on transcript NM_178040.4 (MANE Select); coding-DNA position 148, A replaced by G.
Protein change: p.Ser50Gly; replaces serine 50 with glycine.
Molecular consequence: missense variant. On other transcripts: non-coding transcript variant (3).
Genome position (GRCh38, 1-based): chr12:1,028,051, A>G. VCF-style: chr12-1028051-A-G. GRCh37 (hg19) VCF-style: chr12-1137217-A-G.
Other names: NC_000012.11:g.1137217A>G; c.148A>G, p.Ser50Gly (NM_001301248.1, NM_015064.2, NM_178037.1 and 1 more transcripts); short protein forms S50G.
Identifiers: ClinVar variation 3037380 (VCV003037380.3), dbSNP rs35037408, ClinGen allele CA6384206.

ClinVar aggregate classification (germline): Benign (0 of 4 stars; one submission).

Conditions:
ERC1-related disorder. Also called: ERC1-related condition.

Allele frequency attached by ClinVar (database versions not stated): 1000 Genomes Project 0.01597; 1000 Genomes Project 30x 0.01624; gnomAD 0.02576; ExAC 0.02685; TOPMed 0.02889; ESP Exome Variant Server 0.03114; gnomAD exomes 0.03466.
gnomAD v4.1: 54,664 of 1,614,182 alleles (3.4%); highest among the groups gnomAD compares: Middle Eastern, 6.8%; 1,110 homozygotes.

Submissions (18):

PreventionGenetics, part of Exact Sciences
Classification: Benign for ERC1-related condition. Last evaluated: 2019-05-28. Review status: no assertion criteria provided. Collection method: clinical testing. Allele origin: germline.
Comment: This variant is classified as benign based on ACMG/AMP sequence variant interpretation guidelines (Richards et al. 2015 PMID: 25741868, with internal and published modifications).

Dr. Peter K. Rogan Lab, Western University
No classification provided (evidence only). Condition: Melanoma. Review status: no classification provided. Collection method: in vitro. Allele origin: not applicable. Functional consequence: retained intron. Not counted in ClinVar's aggregate classification.

Dr. Peter K. Rogan Lab, Western University
No classification provided (evidence only). Condition: Acute myeloid leukemia. Review status: no classification provided. Collection method: in vitro. Allele origin: not applicable. Functional consequence: retained intron. Not counted in ClinVar's aggregate classification.

Dr. Peter K. Rogan Lab, Western University
No classification provided (evidence only). Condition: Acute myeloid leukemia. Review status: no classification provided. Collection method: in vitro. Allele origin: not applicable. Functional consequence: retained intron. Not counted in ClinVar's aggregate classification.

Dr. Peter K. Rogan Lab, Western University
No classification provided (evidence only). Condition: Acute myeloid leukemia. Review status: no classification provided. Collection method: in vitro. Allele origin: not applicable. Functional consequence: retained intron. Not counted in ClinVar's aggregate classification.

Dr. Peter K. Rogan Lab, Western University
No classification provided (evidence only). Condition: Acute myeloid leukemia. Review status: no classification provided. Collection method: in vitro. Allele origin: not applicable. Functional consequence: retained intron. Not counted in ClinVar's aggregate classification.

Dr. Peter K. Rogan Lab, Western University
No classification provided (evidence only). Condition: Cervical cancer. Review status: no classification provided. Collection method: in vitro. Allele origin: not applicable. Functional consequence: retained intron. Not counted in ClinVar's aggregate classification.

Dr. Peter K. Rogan Lab, Western University
No classification provided (evidence only). Condition: Hepatocellular carcinoma. Review status: no classification provided. Collection method: in vitro. Allele origin: not applicable. Functional consequence: retained intron. Not counted in ClinVar's aggregate classification.

Dr. Peter K. Rogan Lab, Western University
No classification provided (evidence only). Condition: Thymoma. Review status: no classification provided. Collection method: in vitro. Allele origin: not applicable. Functional consequence: retained intron. Not counted in ClinVar's aggregate classification.

Dr. Peter K. Rogan Lab, Western University
No classification provided (evidence only). Condition: Thymoma. Review status: no classification provided. Collection method: in vitro. Allele origin: not applicable. Functional consequence: retained intron. Not counted in ClinVar's aggregate classification.

Dr. Peter K. Rogan Lab, Western University
No classification provided (evidence only). Condition: Gastric cancer. Review status: no classification provided. Collection method: in vitro. Allele origin: not applicable. Functional consequence: retained intron. Not counted in ClinVar's aggregate classification.

Dr. Peter K. Rogan Lab, Western University
No classification provided (evidence only). Condition: Adrenocortical carcinoma, hereditary. Review status: no classification provided. Collection method: in vitro. Allele origin: not applicable. Functional consequence: retained intron. Not counted in ClinVar's aggregate classification.

Dr. Peter K. Rogan Lab, Western University
No classification provided (evidence only). Condition: Uterine carcinosarcoma. Review status: no classification provided. Collection method: in vitro. Allele origin: not applicable. Functional consequence: retained intron. Not counted in ClinVar's aggregate classification.

Dr. Peter K. Rogan Lab, Western University
No classification provided (evidence only). Condition: Uveal melanoma. Review status: no classification provided. Collection method: in vitro. Allele origin: not applicable. Functional consequence: retained intron. Not counted in ClinVar's aggregate classification.

Dr. Peter K. Rogan Lab, Western University
No classification provided (evidence only). Condition: Uveal melanoma. Review status: no classification provided. Collection method: in vitro. Allele origin: not applicable. Functional consequence: retained intron. Not counted in ClinVar's aggregate classification.

Dr. Peter K. Rogan Lab, Western University
No classification provided (evidence only). Condition: Malignant tumor of esophagus. Review status: no classification provided. Collection method: in vitro. Allele origin: not applicable. Functional consequence: retained intron. Not counted in ClinVar's aggregate classification.

Dr. Peter K. Rogan Lab, Western University
No classification provided (evidence only). Condition: Malignant tumor of esophagus. Review status: no classification provided. Collection method: in vitro. Allele origin: not applicable. Functional consequence: retained intron. Not counted in ClinVar's aggregate classification.

Dr. Peter K. Rogan Lab, Western University
No classification provided (evidence only). Condition: Malignant tumor of esophagus. Review status: no classification provided. Collection method: in vitro. Allele origin: not applicable. Functional consequence: retained intron. Not counted in ClinVar's aggregate classification.